The following is an entry in ClinVar:

NM_015015.3(KDM4B):c.2035C>T (p.Arg679Cys)

Gene: KDM4B (lysine demethylase 4B; plus strand). Cytogenetic location: 19p13.3.
Variant type: single nucleotide variant.
Coding change: c.2035C>T on transcript NM_015015.3 (MANE Select); coding-DNA position 2035, C replaced by T.
Protein change: p.Arg679Cys; replaces arginine 679 with cysteine.
Molecular consequence: missense variant.
Genome position (GRCh38, 1-based): chr19:5,134,011, C>T. VCF-style: chr19-5134011-C-T. GRCh37 (hg19) VCF-style: chr19-5134022-C-T.
Other names: c.2137C>T, p.Arg713Cys (NM_001411148.1); short protein forms R679C, R713C.
Identifiers: ClinVar variation 3863440 (VCV003863440.7).

ClinVar aggregate classification (germline): Conflicting classifications of pathogenicity. Review status: criteria provided, conflicting classifications (1 of 4 stars). 2 submissions from 2 submitters: Uncertain significance (1); Likely benign (1). Last evaluated 2026-08-01.

Conditions:
Inborn genetic diseases. Identifiers: MedGen C0950123, MeSH D030342.

gnomAD v4.1: 58 of 1,610,838 alleles (0.0036%); highest among the groups gnomAD compares: Admixed American, 0.055%; no homozygotes.

Submissions (2):

CeGaT Center for Human Genetics Tuebingen
Classification: Likely benign. Last evaluated: 2026-08-01. Review status: criteria provided, single submitter. Criteria: CeGaT Center For Human Genetics Tuebingen Variant Classification Criteria Version 2. Collection method: clinical testing. Allele origin: germline. Affected: yes. Observed: 2 variant alleles.
Comment: KDM4B: BP4, BS2

Ambry Genetics
Classification: Uncertain significance for Inborn genetic diseases. Last evaluated: 2025-02-07. Review status: criteria provided, single submitter. Criteria: Ambry Variant Classification Scheme 2023. Collection method: clinical testing. Allele origin: germline.